The following is an entry in ClinVar:

NC_000010.10:g.(?_121429353)_(121437012_?)dup

Gene: BAG3 (BAG cochaperone 3; plus strand). Cytogenetic location: 10q26.11.
Variant type: Duplication.
Identifiers: ClinVar variation 1015290 (VCV001015290.4).

ClinVar aggregate classification (germline): Uncertain significance (1 of 4 stars; one submission).

Conditions:
Dilated cardiomyopathy 1HH (CMD1HH). Identifiers: Orphanet 154, MedGen C3151293, MONDO:0013479, OMIM 613881.
Myofibrillar myopathy 6. Identifiers: Orphanet 199340, MedGen C2751831, MONDO:0013061, OMIM 612954.

Submission:

Labcorp Genetics (formerly Invitae), Labcorp
Classification: Uncertain significance for Dilated cardiomyopathy 1HH; Myofibrillar myopathy 6. Last evaluated: 2020-09-17. Review status: criteria provided, single submitter. Criteria: Invitae Variant Classification Sherloc (09022015). Collection method: clinical testing. Allele origin: germline.
Comment: This variant results in a copy number gain of the genomic region encompassing exon(s) 2 - 4 of the BAG3 gene. The 5' boundary is likely confined to intron 1. The 3' end of this event is unknown as it extends beyond the assayed region for this gene and therefore may encompass additional genes. As the precise location of this event is unknown, it may be in tandem or it may be located elsewhere in the genome. This variant has not been reported in the literature in individuals with BAG3-related conditions. In summary, the available evidence is currently insufficient to determine the role of this variant in disease. Therefore, it has been classified as a Variant of Uncertain Significance.